The following is an entry in ClinVar:

NM_000038.6(APC):c.4085C>G (p.Ser1362Cys)

Gene: APC (APC regulator of Wnt signaling pathway; plus strand). Cytogenetic location: 5q22.2.
Variant type: single nucleotide variant.
Coding change: c.4085C>G on transcript NM_000038.6 (MANE Select); coding-DNA position 4085, C replaced by G.
Protein change: p.Ser1362Cys; replaces serine 1362 with cysteine.
Molecular consequence: missense variant.
Genome position (GRCh38, 1-based): chr5:112,839,679, C>G. VCF-style: chr5-112839679-C-G. GRCh37 (hg19) VCF-style: chr5-112175376-C-G.
Other names: c.4085C>G, p.Ser1362Cys (NM_001127510.3, NM_001354895.2); c.4031C>G, p.Ser1344Cys (NM_001127511.3); c.4139C>G, p.Ser1380Cys (NM_001354896.2); c.4115C>G, p.Ser1372Cys (NM_001354897.2); c.4010C>G, p.Ser1337Cys (NM_001354898.2); c.4001C>G, p.Ser1334Cys (NM_001354899.2); c.3962C>G, p.Ser1321Cys (NM_001354900.2); c.3908C>G, p.Ser1303Cys (NM_001354901.2); and 5 more; short protein forms S1079C, S1202C, S1334C, S1236C, S1303C, S1321C, S1344C, S1362C.
Identifiers: ClinVar variation 933780 (VCV000933780.12), dbSNP rs1765597797, ClinGen allele CA16030279.

ClinVar aggregate classification (germline): Uncertain significance. Review status: criteria provided, multiple submitters, no conflicts (2 of 4 stars). 2 submissions from 2 submitters: Uncertain significance (2). Last evaluated 2025-09-03.

Conditions:
Familial adenomatous polyposis 1 (FAP1). Also called: POLYPOSIS, ADENOMATOUS INTESTINAL; FAMILIAL ADENOMATOUS POLYPOSIS 1, ATTENUATED. Identifiers: MedGen C2713442, MONDO:0021056, OMIM 175100. Disease mechanism: loss of function.

Submissions (2):

Labcorp Genetics (formerly Invitae), Labcorp
Classification: Uncertain significance for Familial adenomatous polyposis 1. Last evaluated: 2025-09-03. Review status: criteria provided, single submitter. Criteria: Invitae Variant Classification Sherloc (09022015). Collection method: clinical testing. Allele origin: germline.
Comment: This sequence change replaces serine, which is neutral and polar, with cysteine, which is neutral and slightly polar, at codon 1362 of the APC protein (p.Ser1362Cys). This variant is not present in population databases (gnomAD no frequency). This variant has not been reported in the literature in individuals affected with APC-related conditions. ClinVar contains an entry for this variant (Variation ID: 933780). Invitae Evidence Modeling of protein sequence and biophysical properties (such as structural, functional, and spatial information, amino acid conservation, physicochemical variation, residue mobility, and thermodynamic stability) indicates that this missense variant is not expected to disrupt APC protein function with a negative predictive value of 95%. In summary, the available evidence is currently insufficient to determine the role of this variant in disease. Therefore, it has been classified as a Variant of Uncertain Significance.

Quest Diagnostics Nichols Institute San Juan Capistrano
Classification: Uncertain significance. Last evaluated: 2023-12-20. Review status: criteria provided, single submitter. Criteria: Quest Diagnostics criteria. Collection method: clinical testing. Allele origin: unknown.
Comment: The APC c.4085C>G (p.Ser1362Cys) variant has not been reported in individuals with APC-related conditions in the published literature. It also has not been reported in large, multi-ethnic general populations (Genome Aggregation Database). Analysis of this variant using bioinformatics tools for the prediction of the effect of amino acid changes on protein structure and function yielded predictions that this variant is damaging. Based on the available information, we are unable to determine the clinical significance of this variant.